The following is an entry in ClinVar:

ClinVar aggregate classification (germline): Uncertain significance (1 of 4 stars; one submission).

gnomAD v4.1: 1 of 1,210,595 alleles (0.000083%); highest among the groups gnomAD compares: East Asian, 0.003%; no homozygotes.

Submission:

Women's Health and Genetics/Laboratory Corporation of America, LabCorp
Classification: Uncertain significance. Last evaluated: 2024-12-24. Review status: criteria provided, single submitter. Criteria: LabCorp Variant Classification Summary - May 2015. Collection method: clinical testing. Allele origin: germline.
Comment: Variant summary: PDHA1 c.1094G>C (p.Gly365Ala) results in a non-conservative amino acid change in the encoded protein sequence. Three of five in-silico tools predict a benign effect of the variant on protein function. The variant was absent in 183488 control chromosomes. The available data on variant occurrences in the general population are insufficient to allow any conclusion about variant significance. To our knowledge, no occurrence of c.1094G>C in individuals affected with Pyruvate Dehydrogenase Deficiency and no experimental evidence demonstrating its impact on protein function have been reported. No submitters have cited clinical-significance assessments for this variant to ClinVar. Based on the evidence outlined above, the variant was classified as uncertain significance.

NM_000284.4(PDHA1):c.1094G>C (p.Gly365Ala)

Gene: PDHA1 (pyruvate dehydrogenase E1 subunit alpha 1; plus strand). Cytogenetic location: Xp22.12.
Variant type: single nucleotide variant.
Coding change: c.1094G>C on transcript NM_000284.4 (MANE Select); coding-DNA position 1094, G replaced by C.
Protein change: p.Gly365Ala; replaces glycine 365 with alanine.
Molecular consequence: missense variant.
Genome position (GRCh38, 1-based): chrX:19,359,574, G>C. VCF-style: chrX-19359574-G-C. GRCh37 (hg19) VCF-style: chrX-19377692-G-C.
Other names: c.1208G>C, p.Gly403Ala (NM_001173454.2); c.1115G>C, p.Gly372Ala (NM_001173455.2); c.1001G>C, p.Gly334Ala (NM_001173456.2); short protein forms G334A, G365A, G372A, G403A.
Identifiers: ClinVar variation 3768458 (VCV003768458.1).